The following is an entry in ClinVar:

NM_001385875.1(ZFYVE27):c.804+1G>C

Gene: ZFYVE27 (zinc finger FYVE-type containing 27; plus strand). Cytogenetic location: 10q24.2.
Variant type: single nucleotide variant.
Coding change: c.804+1G>C on transcript NM_001385875.1 (MANE Select); the canonical splice donor site of the intron after coding-DNA position 804, G replaced by C.
Molecular consequence: splice donor variant.
Genome position (GRCh38, 1-based): chr10:97,750,471, G>C. VCF-style: chr10-97750471-G-C. GRCh37 (hg19) VCF-style: chr10-99510228-G-C.
Other names: c.843+1G>C (NM_001385876.1); c.804+1G>C (NM_001385871.1, NM_001385879.1, NM_144588.7 and 8 more transcripts); c.567+1G>C (NM_001385903.1, NM_001385899.1, NM_001385904.1 and 2 more transcripts); c.546+1G>C (NM_001385902.1, NM_001385908.1, NM_001385901.1 and 3 more transcripts); c.600+1G>C (NM_001385890.1, NM_001385895.1, NM_001385897.1 and 6 more transcripts); c.708+1G>C (NM_001385888.1, NM_001385886.1, NM_001385889.1 and 3 more transcripts); c.510+1G>C (NM_001385915.1, NM_001174121.2); c.768+1G>C (NM_001385881.1); and 3 more.
Identifiers: ClinVar variation 655994 (VCV000655994.7), dbSNP rs369834453, ClinGen allele CA5635282.

ClinVar aggregate classification (germline): Uncertain significance (1 of 4 stars; one submission).

Conditions:
Spastic paraplegia. Identifiers: MedGen C0037772, HP:0001258.

Allele frequency attached by ClinVar (database versions not stated): ExAC 0.00001; TOPMed 0.00003; ESP Exome Variant Server 0.00008.
gnomAD v4.1: 14 of 1,613,880 alleles (0.00087%); highest among the groups gnomAD compares: Non-Finnish European, 0.0011%; no homozygotes.

Submission:

Labcorp Genetics (formerly Invitae), Labcorp
Classification: Uncertain significance for Spastic paraplegia. Last evaluated: 2023-01-04. Review status: criteria provided, single submitter. Criteria: Invitae Variant Classification Sherloc (09022015). Collection method: clinical testing. Allele origin: germline.
Comment: In summary, the available evidence is currently insufficient to determine the role of this variant in disease. Therefore, it has been classified as a Variant of Uncertain Significance. Algorithms developed to predict the effect of sequence changes on RNA splicing suggest that this variant may disrupt the consensus splice site. ClinVar contains an entry for this variant (Variation ID: 655994). This variant has not been reported in the literature in individuals affected with ZFYVE27-related conditions. This variant is present in population databases (rs369834453, gnomAD 0.0009%). This sequence change affects a donor splice site in intron 6 of the ZFYVE27 gene. It is expected to disrupt RNA splicing. Variants that disrupt the donor or acceptor splice site typically lead to a loss of protein function (PMID: 16199547), however the current clinical and genetic evidence is not sufficient to establish whether loss-of-function variants in ZFYVE27 cause disease.

Literature cited by the submitters: PubMed 16199547.